The following is an entry in ClinVar:

ClinVar aggregate classification (germline): Benign (1 of 4 stars; one submission).

Conditions:
Long QT syndrome 2 (LQT2). Identifiers: Orphanet 101016, Orphanet 768, MedGen C3150943, MONDO:0013367, OMIM 613688.

Allele frequency attached by ClinVar (database versions not stated): gnomAD 0.00078 and 0.00102; TOPMed 0.00146; gnomAD exomes 0.00189; 1000 Genomes Project 30x 0.00375; 1000 Genomes Project 0.00439.
gnomAD v4.1: 212 of 184,864 alleles (0.11%); highest among the groups gnomAD compares: East Asian, 2.7%; 6 homozygotes.

Submission:

Illumina Laboratory Services, Illumina
Classification: Benign for Long QT syndrome 2. Last evaluated: 2018-01-12. Review status: criteria provided, single submitter. Criteria: ICSL Variant Classification Criteria 13 December 2019. Collection method: clinical testing. Allele origin: germline.
Comment: This variant was observed in the ICSL laboratory as part of a predisposition screen in an ostensibly healthy population. It had not been previously curated by ICSL or reported in the Human Gene Mutation Database (HGMD: prior to June 1st, 2018), and was therefore a candidate for classification through an automated scoring system. Utilizing variant allele frequency, disease prevalence and penetrance estimates, and inheritance mode, an automated score was calculated to assess if this variant is too frequent to cause the disease. Based on the score and internal cut-off values, a variant classified as benign is not then subjected to further curation. The score for this variant resulted in a classification of benign for this disease.

NM_000238.4(KCNH2):c.*397T>C

Gene: KCNH2 (potassium voltage-gated channel subfamily H member 2; minus strand). Cytogenetic location: 7q36.1.
Variant type: single nucleotide variant.
Coding change: c.*397T>C on transcript NM_000238.4 (MANE Select); 397 bases downstream of the stop codon, T replaced by C.
Molecular consequence: 3 prime UTR variant.
Genome position (GRCh38, 1-based): chr7:150,944,968, A>G on the plus strand (T>C on the coding strand, the complement: KCNH2 is on the minus strand). VCF-style: chr7-150944968-A-G. GRCh37 (hg19) VCF-style: chr7-150642056-A-G.
Other names: c.*397T>C (NM_172057.3).
Identifiers: ClinVar variation 359295 (VCV000359295.5), dbSNP rs41312081, ClinGen allele CA10628470.
Genomic context (GRCh38, chr7:150,944,968, plus strand): 5'-CAGGAACACAGGACACAGCAAGTAACAGTTACACCCTCCCAGCACCACTGGAGTCTCCTC[A>G]GGATAATTATTTATTATTCATAGTCATCAGCATCTTCATTAATTATTCATATGATCCTTA-3'